The following is an entry in ClinVar:

ClinVar aggregate classification (germline): Uncertain significance (1 of 4 stars; one submission).

Submission:

GeneDx
Classification: Uncertain significance. Last evaluated: 2023-04-19. Review status: criteria provided, single submitter. Criteria: GeneDx Variant Classification Process June 2021. Collection method: clinical testing. Allele origin: germline. Affected: yes.
Comment: Not observed at significant frequency in large population cohorts (gnomAD); In silico analysis supports that this missense variant has a deleterious effect on protein structure/function; Has not been previously published as pathogenic or benign to our knowledge

NM_012309.5(SHANK2):c.5248G>A (p.Gly1750Arg)

Gene: SHANK2 (SH3 and multiple ankyrin repeat domains 2; minus strand). Cytogenetic location: 11q13.3.
Variant type: single nucleotide variant.
Coding change: c.5248G>A on transcript NM_012309.5 (MANE Select); coding-DNA position 5248, G replaced by A.
Protein change: p.Gly1750Arg; replaces glycine 1750 with arginine.
Molecular consequence: missense variant. On other transcripts: non-coding transcript variant (1).
Genome position (GRCh38, 1-based): chr11:70,473,171, C>T on the plus strand (G>A on the coding strand, the complement: SHANK2 is on the minus strand). VCF-style: chr11-70473171-C-T. GRCh37 (hg19) VCF-style: chr11-70319276-C-T.
Other names: c.4111G>A, p.Gly1371Arg (NM_001379226.1); c.3484G>A, p.Gly1162Arg (NM_133266.5); short protein forms G1162R, G1371R, G1750R.
Identifiers: ClinVar variation 2663437 (VCV002663437.1), dbSNP rs2503511708, ClinGen allele CA381675959.